The following is an entry in ClinVar:

ClinVar aggregate classification (germline): Uncertain significance (1 of 4 stars; one submission).

Conditions:
Kleefstra syndrome 1 (KLEFS1). Identifiers: Orphanet 261494, MedGen C0795833, MONDO:0027407, OMIM 610253.

Submission:

Labcorp Genetics (formerly Invitae), Labcorp
Classification: Uncertain significance for Kleefstra syndrome 1. Last evaluated: 2023-10-16. Review status: criteria provided, single submitter. Criteria: Invitae Variant Classification Sherloc (09022015). Collection method: clinical testing. Allele origin: germline.
Comment: This sequence change replaces alanine, which is neutral and non-polar, with valine, which is neutral and non-polar, at codon 472 of the EHMT1 protein (p.Ala472Val). This variant is not present in population databases (gnomAD no frequency). This variant has not been reported in the literature in individuals affected with EHMT1-related conditions. Algorithms developed to predict the effect of missense changes on protein structure and function output the following: SIFT: "Not Available"; PolyPhen-2: "Benign"; Align-GVGD: "Not Available". The valine amino acid residue is found in multiple mammalian species, which suggests that this missense change does not adversely affect protein function. In summary, the available evidence is currently insufficient to determine the role of this variant in disease. Therefore, it has been classified as a Variant of Uncertain Significance.

NM_024757.5(EHMT1):c.1415C>T (p.Ala472Val)

Gene: EHMT1 (euchromatic histone lysine methyltransferase 1; plus strand). Cytogenetic location: 9q34.3.
Variant type: single nucleotide variant.
Coding change: c.1415C>T on transcript NM_024757.5 (MANE Select); coding-DNA position 1415, C replaced by T.
Protein change: p.Ala472Val; replaces alanine 472 with valine.
Molecular consequence: missense variant.
Genome position (GRCh38, 1-based): chr9:137,757,925, C>T. VCF-style: chr9-137757925-C-T. GRCh37 (hg19) VCF-style: chr9-140652377-C-T.
Other names: c.1322C>T, p.Ala441Val (NM_001354259.2, NM_001354612.2); c.1394C>T, p.Ala465Val (NM_001354263.2); c.1415C>T, p.Ala472Val (NM_001354611.2, NM_001145527.2); short protein forms A472V, A441V, A465V.
Identifiers: ClinVar variation 2769016 (VCV002769016.3), dbSNP rs2541878956, ClinGen allele CA375765922.